The following is an entry in ClinVar:

NM_004329.3(BMPR1A):c.568A>G (p.Asn190Asp)

Gene: BMPR1A (bone morphogenetic protein receptor type 1A; plus strand). Cytogenetic location: 10q23.2.
Variant type: single nucleotide variant.
Coding change: c.568A>G on transcript NM_004329.3 (MANE Select); coding-DNA position 568, A replaced by G.
Protein change: p.Asn190Asp; replaces asparagine 190 with aspartic acid.
Molecular consequence: missense variant.
Genome position (GRCh38, 1-based): chr10:86,912,277, A>G. VCF-style: chr10-86912277-A-G. GRCh37 (hg19) VCF-style: chr10-88672034-A-G.
Other names: short protein forms N190D.
Identifiers: ClinVar variation 825895 (VCV000825895.17), dbSNP rs771444196, ClinGen allele CA5585556.

ClinVar aggregate classification (germline): Conflicting classifications of pathogenicity. Review status: criteria provided, conflicting classifications (1 of 4 stars). 6 submissions from 6 submitters: Uncertain significance (5); Benign (1). Last evaluated 2026-01-11.

Conditions:
Juvenile polyposis syndrome (JPS). Identifiers: Orphanet 2929, MedGen C0345893, MONDO:0017380, OMIM 174900.
Hereditary cancer-predisposing syndrome. Also called: Neoplastic Syndromes, Hereditary; Hereditary Cancer Syndrome; Hereditary neoplastic syndrome; Tumor predisposition. Identifiers: Orphanet 140162, MedGen C0027672, MeSH D009386, MONDO:0015356.
Polyposis syndrome, hereditary mixed, 2. Identifiers: Orphanet 157794, MedGen C1864730, MONDO:0012405, OMIM 610069.

Allele frequency attached by ClinVar (database versions not stated): ExAC 0.00001; gnomAD exomes 0.00001 and 0.00002; TOPMed 0.00001.
gnomAD v4.1: 7 of 1,613,950 alleles (0.00043%); highest among the groups gnomAD compares: Admixed American, 0.005%; no homozygotes.

Submissions (6):

Labcorp Genetics (formerly Invitae), Labcorp
Classification: Uncertain significance for Juvenile polyposis syndrome. Last evaluated: 2026-01-11. Review status: criteria provided, single submitter. Criteria: Invitae Variant Classification Sherloc (09022015). Collection method: clinical testing. Allele origin: germline.
Comment: This sequence change replaces asparagine, which is neutral and polar, with aspartic acid, which is acidic and polar, at codon 190 of the BMPR1A protein (p.Asn190Asp). This variant is present in population databases (rs771444196, gnomAD 0.01%). This variant has not been reported in the literature in individuals affected with BMPR1A-related conditions. ClinVar contains an entry for this variant (Variation ID: 825895). Invitae Evidence Modeling of protein sequence and biophysical properties (such as structural, functional, and spatial information, amino acid conservation, physicochemical variation, residue mobility, and thermodynamic stability) indicates that this missense variant is not expected to disrupt BMPR1A protein function with a negative predictive value of 80%. In summary, the available evidence is currently insufficient to determine the role of this variant in disease. Therefore, it has been classified as a Variant of Uncertain Significance.

Quest Diagnostics Nichols Institute San Juan Capistrano
Classification: Uncertain significance. Last evaluated: 2025-10-17. Review status: criteria provided, single submitter. Criteria: Quest Diagnostics criteria. Collection method: clinical testing. Allele origin: unknown.
Comment: The BMPR1A c.568A>G (p.Asn190Asp) variant has been identified in the published literature in in reportedly unaffected individuals (PMID: 36243179 (2022)). The frequency of this variant in the general population (Genome Aggregation Database) is higher than would generally be expected for pathogenic variants in this gene. Analysis of this variant using bioinformatics tools for the prediction of the effect of amino acid changes on protein structure and function yielded predictions that this variant is benign. Based on the available information, we are unable to determine the clinical significance of this variant.

Baylor Genetics
Classification: Uncertain significance for Polyposis syndrome, hereditary mixed, 2. Last evaluated: 2024-03-16. Review status: criteria provided, single submitter. Criteria: ACMG Guidelines, 2015. Collection method: clinical testing. Allele origin: unknown.

Color Diagnostics, LLC DBA Color Health
Classification: Uncertain significance for Hereditary cancer-predisposing syndrome. Last evaluated: 2024-03-06. Review status: criteria provided, single submitter. Criteria: ACMG Guidelines, 2015. Collection method: clinical testing. Allele origin: germline.
Comment: This missense variant replaces asparagine with aspartic acid at codon 190 of the BMPR1A protein. Computational prediction suggests that this variant may not impact protein structure and function (internally defined REVEL score threshold <= 0.5, PMID: 27666373). To our knowledge, functional studies have not been reported for this variant. This variant has not been reported in individuals affected with BMPR1A-related disorders in the literature. This variant has been identified in 4/251354 chromosomes in the general population by the Genome Aggregation Database (gnomAD). The available evidence is insufficient to determine the role of this variant in disease conclusively. Therefore, this variant is classified as a Variant of Uncertain Significance.

All of Us Research Program, National Institutes of Health
Classification: Uncertain significance for Juvenile polyposis syndrome. Last evaluated: 2023-10-23. Review status: criteria provided, single submitter. Criteria: ACMG Guidelines, 2015. Collection method: clinical testing. Allele origin: germline. Inheritance: Autosomal dominant inheritance. Observed: 1 variant allele, 1 heterozygote.
Comment: This missense variant replaces asparagine with aspartic acid at codon 190 of the BMPR1A protein. Computational prediction suggests that this variant may not impact protein structure and function (internally defined REVEL score threshold <= 0.5, PMID: 27666373). To our knowledge, functional studies have not been reported for this variant. This variant has not been reported in individuals affected with BMPR1A-related disorders in the literature. This variant has been identified in 4/251354 chromosomes in the general population by the Genome Aggregation Database (gnomAD). The available evidence is insufficient to determine the role of this variant in disease conclusively. Therefore, this variant is classified as a Variant of Uncertain Significance.

This study involves interpretation of variants in research participants for the purpose of population health screening. Participant phenotype was not available at the time of variant classification. Additional details can be found in publication PMID: 35346344, PMCID: PMC8962531

Ambry Genetics
Classification: Benign for Hereditary cancer-predisposing syndrome. Last evaluated: 2022-08-15. Review status: criteria provided, single submitter. Criteria: Ambry Variant Classification Scheme 2023. Collection method: clinical testing. Allele origin: germline.

Literature cited by the submitters: PubMed 36243179 (cited by Quest Diagnostics Nichols Institute San Juan Capistrano).